The following is an entry in ClinVar:

NM_001903.5(CTNNA1):c.2043dup (p.Ala682fs)

Gene: CTNNA1 (catenin alpha 1; plus strand). Cytogenetic location: 5q31.2.
Variant type: Duplication.
Coding change: c.2043dup on transcript NM_001903.5 (MANE Select); coding-DNA position 2043, one base duplicated (A; older notation c.2043dupA).
Protein change: p.Ala682fs; shifts the reading frame from alanine 682.
Molecular consequence: frameshift variant.
Genome position (GRCh38, 1-based): chr5:138,930,505, A duplicated; the last of 5 consecutive A bases (chr5:138,930,501-138,930,505); duplicating any one gives the same sequence. VCF-style (leftmost placement, unchanged base first): chr5-138930500-C-CA. GRCh37 (hg19) VCF-style: chr5-138266189-C-CA.
Other names: c.2043dup, p.Ala682fs (NM_001290307.3, NM_001323982.2, NM_001323983.1 and 2 more transcripts); c.1734dup, p.Ala579fs (NM_001290309.3); c.1674dup, p.Ala559fs (NM_001290310.3); c.933dup, p.Ala312fs (NM_001290312.1, NM_001323987.1, NM_001323988.1 and 17 more transcripts); c.1950dup, p.Ala651fs (NM_001323986.2); c.594dup, p.Ala199fs (NM_001324006.1, NM_001324007.1, NM_001324008.1 and 2 more transcripts); c.840dup, p.Ala281fs (NM_001324011.1); c.690dup, p.Ala231fs (NM_001324012.1, NM_001324013.1); short protein forms A231fs, A281fs, A579fs, A682fs, A312fs, A559fs, A651fs, A199fs.
Identifiers: ClinVar variation 2563289 (VCV002563289.4), dbSNP rs2150334022, ClinGen allele CA2580613672.

ClinVar aggregate classification (germline): Pathogenic. Review status: criteria provided, multiple submitters, no conflicts (2 of 4 stars). 2 submissions from 2 submitters: Pathogenic (2). Last evaluated 2025-09-20.

Conditions:
Hereditary cancer-predisposing syndrome. Also called: Neoplastic Syndromes, Hereditary; Hereditary Cancer Syndrome; Hereditary neoplastic syndrome; Tumor predisposition. Identifiers: Orphanet 140162, MedGen C0027672, MeSH D009386, MONDO:0015356.

Submissions (2):

Labcorp Genetics (formerly Invitae), Labcorp
Classification: Pathogenic. Last evaluated: 2025-09-20. Review status: criteria provided, single submitter. Criteria: Invitae Variant Classification Sherloc (09022015). Collection method: clinical testing. Allele origin: germline.
Comment: This sequence change creates a premature translational stop signal (p.Ala682Serfs*20) in the CTNNA1 gene. It is expected to result in an absent or disrupted protein product. Loss-of-function variants in CTNNA1 are known to be pathogenic (PMID: 32051609, 34425242). This variant is not present in population databases (gnomAD no frequency). This variant has not been reported in the literature in individuals affected with CTNNA1-related conditions. ClinVar contains an entry for this variant (Variation ID: 2563289). For these reasons, this variant has been classified as Pathogenic.

Ambry Genetics
Classification: Pathogenic for Hereditary cancer-predisposing syndrome. Last evaluated: 2025-07-11. Review status: criteria provided, single submitter. Criteria: Ambry Variant Classification Scheme 2023. Collection method: clinical testing. Allele origin: germline.
Comment: The c.2043dupA pathogenic mutation, located in coding exon 14 of the CTNNA1 gene, results from a duplication of A at nucleotide position 2043, causing a translational frameshift with a predicted alternate stop codon (p.A682Sfs*20). This variant is considered to be rare based on population cohorts in the Genome Aggregation Database (gnomAD). This alteration is expected to result in loss of function by premature protein truncation or nonsense-mediated mRNA decay. As such, this alteration is interpreted as a disease-causing mutation.

Literature cited by the submitters: PubMed 32051609 (cited by Labcorp Genetics (formerly Invitae), Labcorp); PubMed 34425242 (cited by Labcorp Genetics (formerly Invitae), Labcorp).